The following is an entry in ClinVar:

ClinVar aggregate classification (germline): Uncertain significance (1 of 4 stars; one submission).

Submission:

Labcorp Genetics (formerly Invitae), Labcorp
Classification: Uncertain significance. Last evaluated: 2024-06-10. Review status: criteria provided, single submitter. Criteria: Invitae Variant Classification Sherloc (09022015). Collection method: clinical testing. Allele origin: germline.
Comment: This sequence change replaces alanine, which is neutral and non-polar, with serine, which is neutral and polar, at codon 181 of the POLE2 protein (p.Ala181Ser). This variant is not present in population databases (gnomAD no frequency). This variant has not been reported in the literature in individuals affected with POLE2-related conditions. An algorithm developed to predict the effect of missense changes on protein structure and function (PolyPhen-2) suggests that this variant is likely to be tolerated. In summary, the available evidence is currently insufficient to determine the role of this variant in disease. Therefore, it has been classified as a Variant of Uncertain Significance.

NM_002692.4(POLE2):c.541G>T (p.Ala181Ser)

Gene: POLE2 (DNA polymerase epsilon 2, accessory subunit; minus strand). Cytogenetic location: 14q21.3.
Variant type: single nucleotide variant.
Coding change: c.541G>T on transcript NM_002692.4 (MANE Select); coding-DNA position 541, G replaced by T.
Protein change: p.Ala181Ser; replaces alanine 181 with serine.
Molecular consequence: missense variant.
Genome position (GRCh38, 1-based): chr14:49,666,365, C>A on the plus strand (G>T on the coding strand, the complement: POLE2 is on the minus strand). VCF-style: chr14-49666365-C-A. GRCh37 (hg19) VCF-style: chr14-50133083-C-A.
Other names: c.463G>T, p.Ala155Ser (NM_001197330.2); c.541G>T, p.Ala181Ser (NM_001197331.3, NM_001348384.2); c.310G>T, p.Ala104Ser (NM_001348385.2); short protein forms A104S, A155S, A181S.
Identifiers: ClinVar variation 3697974 (VCV003697974.2).